The following is an entry in ClinVar:

NM_000388.4(CASR):c.2089G>A (p.Val697Met)

Gene: CASR (calcium sensing receptor; plus strand). Cytogenetic location: 3q21.1.
Variant type: single nucleotide variant.
Coding change: c.2089G>A on transcript NM_000388.4 (MANE Select); coding-DNA position 2089, G replaced by A.
Protein change: p.Val697Met; replaces valine 697 with methionine.
Molecular consequence: missense variant.
Genome position (GRCh38, 1-based): chr3:122,284,043, G>A. VCF-style: chr3-122284043-G-A. GRCh37 (hg19) VCF-style: chr3-122002890-G-A.
Other names: c.2119G>A, p.Val707Met (NM_001178065.2); short protein forms V697M, V707M.
Identifiers: ClinVar variation 2630659 (VCV002630659.2), dbSNP rs2473277883, ClinGen allele CA354158480.
Genomic context (GRCh38, chr3:122,284,043, plus strand): 5'-TGCCGCCTGCGCCAGCCGGCCTTTGGCATCAGCTTCGTGCTCTGCATCTCATGCATCCTG[G>A]TGAAAACCAACCGTGTCCTCCTGGTGTTTGAGGCCAAGATCCCCACCAGCTTCCACCGCA-3'
Protein context (NP_000379.3, residues 687-707): SFVLCISCIL[Val697Met]KTNRVLLVFE

ClinVar aggregate classification (germline): Likely pathogenic. Review status: criteria provided, multiple submitters, no conflicts (2 of 4 stars). 2 submissions from 2 submitters: Likely pathogenic (2). Last evaluated 2023-08-30.

Conditions:
CASR-related disorder. Also called: CASR-related condition.
Familial hypocalciuric hypercalcemia 1. Also called: Hypercalcemia, familial benign type 1. Identifiers: Orphanet 405, Orphanet 93372, MedGen C0342637, MONDO:0007791, OMIM 145980.

Submissions (2):

PreventionGenetics, part of Exact Sciences
Classification: Likely pathogenic for CASR-related condition. Last evaluated: 2023-08-30. Review status: criteria provided, single submitter. Criteria: ACMG Guidelines, 2015. Collection method: clinical testing. Allele origin: germline.
Comment: The CASR c.2119G>A variant is predicted to result in the amino acid substitution p.Val707Met. This variant, alternatively referred to as c.2089G>A, has been reported in the heterozygous state in multiple individuals with familial hypocalciuric hypercalcemia (Aparicio López et al. 2012. PubMed ID: 21643651; Glaudo et al. 2016. PubMed ID: 27666534; Mouly et al. 2020. PubMed ID: 32347971). This variant has not been reported in a large population database, indicating this variant is rare. This variant is interpreted as likely pathogenic.

Clinical Genetics Service, Universitary Hospital 12 de Octubre
Classification: Likely pathogenic for Familial hypocalciuric hypercalcemia 1. Review status: criteria provided, single submitter. Criteria: ACMG Guidelines, 2015. Collection method: clinical testing. Allele origin: germline. Affected: yes.